The following is an entry in ClinVar:

ClinVar aggregate classification (germline): Likely benign. Review status: criteria provided, single submitter (1 of 4 stars). 2 submissions from 2 submitters: Likely benign (1). 1 of the submissions does not count toward it. Last evaluated 2025-03-18.

Conditions:
ALPI-related disorder. Also called: ALPI-related condition.

Allele frequency attached by ClinVar (database versions not stated): 1000 Genomes Project 0.00020; 1000 Genomes Project 30x 0.00031; ExAC 0.00042; gnomAD 0.00046; TOPMed 0.00054; ESP Exome Variant Server 0.00100.
gnomAD v4.1: 951 of 1,614,162 alleles (0.059%); highest among the groups gnomAD compares: Middle Eastern, 0.082%; 3 homozygotes.

Submissions (2):

Women's Health and Genetics/Laboratory Corporation of America, LabCorp
Classification: Likely benign. Last evaluated: 2025-03-18. Review status: criteria provided, single submitter. Criteria: LabCorp Variant Classification Summary - May 2015. Collection method: clinical testing. Allele origin: germline.

PreventionGenetics, part of Exact Sciences
Classification: Likely benign for ALPI-related condition. Last evaluated: 2023-06-16. Review status: no assertion criteria provided. Collection method: clinical testing. Allele origin: germline. Not counted in ClinVar's aggregate classification.
Comment: This variant is classified as likely benign based on ACMG/AMP sequence variant interpretation guidelines (Richards et al. 2015 PMID: 25741868, with internal and published modifications).

NM_001631.5(ALPI):c.1095C>T (p.Ser365=)

Gene: ALPI (alkaline phosphatase, intestinal; plus strand). Cytogenetic location: 2q37.1.
Variant type: single nucleotide variant.
Coding change: c.1095C>T on transcript NM_001631.5 (MANE Select); coding-DNA position 1095, C replaced by T.
Protein change: p.Ser365=; no amino-acid change (serine 365 retained).
Molecular consequence: synonymous variant.
Genome position (GRCh38, 1-based): chr2:232,458,320, C>T. VCF-style: chr2-232458320-C-T. GRCh37 (hg19) VCF-style: chr2-233323030-C-T.
Identifiers: ClinVar variation 3040517 (VCV003040517.3), dbSNP rs142420344, ClinGen allele CA2166656.